The following is an entry in ClinVar:

NM_000390.4(CHM):c.315-1G>T

Genes: CHM (CHM Rab escort protein; minus strand), LOC129391306 (MPRA-validated peak7401 silencer; plus strand). Cytogenetic location: Xq21.2.
Variant type: single nucleotide variant.
Coding change: c.315-1G>T on transcript NM_000390.4 (MANE Select); the canonical splice acceptor site of the intron before coding-DNA position 315, G replaced by T.
Molecular consequence: splice acceptor variant. On other transcripts: intron variant (2).
Genome position (GRCh38, 1-based): chrX:85,964,053, C>A on the plus strand (G>T on the coding strand, the complement: CHM is on the minus strand). VCF-style: chrX-85964053-C-A. GRCh37 (hg19) VCF-style: chrX-85219058-C-A.
Other names: c.-126-5G>T (NM_001362519.1, NM_001362518.2); c.-130-1G>T (NM_001362517.1, NM_001320959.1).
Identifiers: ClinVar variation 2096747 (VCV002096747.4), dbSNP rs2520273829, ClinGen allele CA413787461.

ClinVar aggregate classification (germline): Pathogenic (1 of 4 stars; one submission).

Submission:

Labcorp Genetics (formerly Invitae), Labcorp
Classification: Pathogenic. Last evaluated: 2022-02-11. Review status: criteria provided, single submitter. Criteria: Invitae Variant Classification Sherloc (09022015). Collection method: clinical testing. Allele origin: germline.
Comment: This sequence change affects an acceptor splice site in intron 4 of the CHM gene. It is expected to disrupt RNA splicing. Variants that disrupt the donor or acceptor splice site typically lead to a loss of protein function (PMID: 16199547), and loss-of-function variants in CHM are known to be pathogenic (PMID: 9067750, 23811034). This variant is not present in population databases (gnomAD no frequency). Disruption of this splice site has been observed in individual(s) with choroideremia (PMID: 31922496). Algorithms developed to predict the effect of sequence changes on RNA splicing suggest that this variant may disrupt the consensus splice site. For these reasons, this variant has been classified as Pathogenic.

Literature cited by the submitters: PubMed 16199547; PubMed 9067750; PubMed 23811034; PubMed 31922496.